The following is an entry in ClinVar:

NM_006269.2(RP1):c.573G>A (p.Met191Ile)

Gene: RP1 (RP1 axonemal microtubule associated; plus strand). Cytogenetic location: 8q12.1.
Variant type: single nucleotide variant.
Coding change: c.573G>A on transcript NM_006269.2 (MANE Select); coding-DNA position 573, G replaced by A.
Protein change: p.Met191Ile; replaces methionine 191 with isoleucine.
Molecular consequence: missense variant.
Genome position (GRCh38, 1-based): chr8:54,621,539, G>A. VCF-style: chr8-54621539-G-A. GRCh37 (hg19) VCF-style: chr8-55534099-G-A.
Other names: c.573G>A, p.Met191Ile (NM_001375654.1); short protein forms M191I.
Identifiers: ClinVar variation 5028389 (VCV005028389.1).

ClinVar aggregate classification (germline): Uncertain significance (1 of 4 stars; one submission).

Conditions:
Inborn genetic diseases. Identifiers: MedGen C0950123, MeSH D030342.

Submission:

Ambry Genetics
Classification: Uncertain significance for Inborn genetic diseases. Last evaluated: 2026-07-08. Review status: criteria provided, single submitter. Criteria: Ambry Variant Classification Scheme 2023. Collection method: clinical testing. Allele origin: germline.
Comment: The c.573G>A (p.M191I) alteration is located in exon 2 (coding exon 1) of the RP1 gene. This alteration results from a G to A substitution at nucleotide position 573, causing the methionine (M) at amino acid position 191 to be replaced by an isoleucine (I). Based on data from gnomAD, the A allele has an overall frequency of <0.001% (1/249036) total alleles studied. The highest observed frequency was 0.001% (1/111338) of European (non-Finnish) alleles. Based on insufficient or conflicting evidence, the clinical significance of this alteration remains unclear.